The following is an entry in ClinVar:

ClinVar aggregate classification (germline): Uncertain significance. Review status: criteria provided, multiple submitters, no conflicts (2 of 4 stars). 2 submissions from 2 submitters: Uncertain significance (2). Last evaluated 2024-01-12.

Submissions (2):

Blueprint Genetics
Classification: Uncertain significance. Last evaluated: 2024-01-12. Review status: criteria provided, single submitter. Criteria: ACMG Guidelines, 2015. Collection method: clinical testing. Allele origin: germline.

Labcorp Genetics (formerly Invitae), Labcorp
Classification: Uncertain significance. Last evaluated: 2021-10-21. Review status: criteria provided, single submitter. Criteria: Invitae Variant Classification Sherloc (09022015). Collection method: clinical testing. Allele origin: germline.
Comment: This sequence change replaces serine with cysteine at codon 112 of the CNGA3 protein (p.Ser112Cys). The serine residue is moderately conserved and there is a moderate physicochemical difference between serine and cysteine. This variant is not present in population databases (ExAC no frequency). This missense change has been observed in individual(s) with clinical features of CNGA3-related conditions (Invitae). Algorithms developed to predict the effect of missense changes on protein structure and function output the following: SIFT: "Deleterious"; PolyPhen-2: "Benign"; Align-GVGD: "Class C0". The cysteine amino acid residue is found in multiple mammalian species, which suggests that this missense change does not adversely affect protein function. In summary, the available evidence is currently insufficient to determine the role of this variant in disease. Therefore, it has been classified as a Variant of Uncertain Significance.

NM_001298.3(CNGA3):c.334A>T (p.Ser112Cys)

Gene: CNGA3 (cyclic nucleotide gated channel subunit alpha 3; plus strand). Cytogenetic location: 2q11.2.
Variant type: single nucleotide variant.
Coding change: c.334A>T on transcript NM_001298.3 (MANE Select); coding-DNA position 334, A replaced by T.
Protein change: p.Ser112Cys; replaces serine 112 with cysteine.
Molecular consequence: missense variant.
Genome position (GRCh38, 1-based): chr2:98,380,293, A>T. VCF-style: chr2-98380293-A-T. GRCh37 (hg19) VCF-style: chr2-98996756-A-T.
Other names: c.334A>T, p.Ser112Cys (NM_001079878.2); short protein forms S112C.
Identifiers: ClinVar variation 1483359 (VCV001483359.7), dbSNP rs2104205773, ClinGen allele CA347831132.